The following is an entry in ClinVar:

NM_002641.4(PIGA):c.-9del

Gene: PIGA (phosphatidylinositol glycan anchor biosynthesis class A; minus strand). Cytogenetic location: Xp22.2.
Variant type: Deletion.
Coding change: c.-9del on transcript NM_002641.4 (MANE Select); 9 bases upstream of the start codon, one base deleted (C; older notation c.-9delC).
Molecular consequence: 5 prime UTR variant. On other transcripts: non-coding transcript variant (2), intron variant (1).
Genome position (GRCh38, 1-based): chrX:15,331,939, G deleted on the plus strand (C on the coding strand, the reverse complement: PIGA is on the minus strand); the first of 2 consecutive G bases (chrX:15,331,939-15,331,940); deleting either gives the same sequence. VCF-style (leftmost placement, unchanged base first): chrX-15331938-CG-C. GRCh37 (hg19) VCF-style: chrX-15350060-CG-C.
Other names: c.13+3562del (NM_020473.3); c.-9delC (NM_002641.3).
Identifiers: ClinVar variation 507786 (VCV000507786.1), dbSNP rs1555945574, ClinGen allele CA658799616.

ClinVar aggregate classification (germline): Likely benign (1 of 4 stars; one submission).

Submission:

GeneDx
Classification: Likely benign. Last evaluated: 2017-03-16. Review status: criteria provided, single submitter. Criteria: GeneDx Variant Classification (06012015). Collection method: clinical testing. Allele origin: germline. Affected: yes.
Comment: This variant is considered likely benign or benign based on one or more of the following criteria: it is a conservative change, it occurs at a poorly conserved position in the protein, it is predicted to be benign by multiple in silico algorithms, and/or has population frequency not consistent with disease.